The following is an entry in ClinVar:

ClinVar aggregate classification (germline): Pathogenic (1 of 4 stars; one submission).

Conditions:
Hereditary cancer-predisposing syndrome. Also called: Neoplastic Syndromes, Hereditary; Tumor predisposition; Hereditary Cancer Syndrome; Hereditary neoplastic syndrome. Identifiers: Orphanet 140162, MedGen C0027672, MeSH D009386, MONDO:0015356.

Submission:

Ambry Genetics
Classification: Pathogenic for Hereditary cancer-predisposing syndrome. Last evaluated: 2022-01-13. Review status: criteria provided, single submitter. Criteria: Ambry Variant Classification Scheme 2023. Collection method: clinical testing. Allele origin: germline.
Comment: The c.3247_3248delGA pathogenic mutation, located in coding exon 5 of the MSH6 gene, results from a deletion of two nucleotides at nucleotide positions 3247 to 3248, causing a translational frameshift with a predicted alternate stop codon (p.E1083Rfs*9). This alteration is expected to result in loss of function by premature protein truncation or nonsense-mediated mRNA decay. As such, this alteration is interpreted as a disease-causing mutation.

NM_000179.3(MSH6):c.3247_3248del (p.Glu1083fs)

Gene: MSH6 (mutS homolog 6; plus strand). Cytogenetic location: 2p16.3.
Variant type: Deletion.
Coding change: c.3247_3248del on transcript NM_000179.3 (MANE Select); coding-DNA positions 3247 to 3248, 2 bases deleted (GA; older notation c.3247_3248delGA).
Protein change: p.Glu1083fs; shifts the reading frame from glutamic acid 1083.
Molecular consequence: frameshift variant.
Genome position (GRCh38, 1-based): chr2:47,803,494-47,803,495, GA deleted. VCF-style (leftmost placement, unchanged base first): chr2-47803493-GGA-G. GRCh37 (hg19) VCF-style: chr2-48030632-GGA-G.
Other names: c.2857_2858del, p.Glu953fs (NM_001281492.2); c.2341_2342del, p.Glu781fs (NM_001281493.2, NM_001281494.2); c.3343_3344delGA, p.Glu1115Argfs (NM_001406795.1, NM_001406802.1); c.3247_3248delGA, p.Glu1083Argfs (NM_001406796.1, NM_001406800.1, NM_001406808.1 and 1 more transcripts); c.2950_2951delGA, p.Glu984Argfs (NM_001406797.1, NM_001406801.1, NM_001406805.1 and 10 more transcripts); c.2722_2723delGA, p.Glu908Argfs (NM_001406799.1, NM_001406806.1, NM_001406807.1); c.2383_2384delGA, p.Glu795Argfs (NM_001406803.1); c.3169_3170delGA, p.Glu1057Argfs (NM_001406804.1); and 7 more; short protein forms E1083fs, E781fs, E953fs.
Identifiers: ClinVar variation 1729349 (VCV001729349.2), dbSNP rs2530762448, ClinGen allele CA2580066997.